The following is an entry in ClinVar:

NM_004958.4(MTOR):c.1036G>A (p.Gly346Arg)

Gene: MTOR (mechanistic target of rapamycin kinase; minus strand). Cytogenetic location: 1p36.22.
Variant type: single nucleotide variant.
Coding change: c.1036G>A on transcript NM_004958.4 (MANE Select); coding-DNA position 1036, G replaced by A.
Protein change: p.Gly346Arg; replaces glycine 346 with arginine.
Molecular consequence: missense variant. On other transcripts: 5 prime UTR variant (1).
Genome position (GRCh38, 1-based): chr1:11,247,899, C>T on the plus strand (G>A on the coding strand, the complement: MTOR is on the minus strand). VCF-style: chr1-11247899-C-T. GRCh37 (hg19) VCF-style: chr1-11307956-C-T.
Other names: c.1036G>A, p.Gly346Arg (NM_001386500.1); c.-104G>A (NM_001386501.1); short protein forms G346R.
Identifiers: ClinVar variation 1310459 (VCV001310459.5), dbSNP rs1649059913, ClinGen allele CA338399717.
Genomic context (GRCh38, chr1:11,247,899, plus strand): 5'-TCAAGTCTCTGCAACACCGGCTCTCCACCAGGGTGGACTTAGCTGGACTGGGGGAGGTCC[C>T]AAATCCCATGAGGCCTTGGTGAGAGCTGTACCCCAGCAGCCCCACCAAGGCATTTGACTG-3'
Protein context (NP_004949.1, residues 336-356): YSSHQGLMGF[Gly346Arg]TSPSPAKSTL

ClinVar aggregate classification (germline): Uncertain significance. Review status: criteria provided, multiple submitters, no conflicts (2 of 4 stars). 2 submissions from 2 submitters: Uncertain significance (2). Last evaluated 2023-04-28.

gnomAD v4.1: 4 of 1,614,174 alleles (0.00025%); highest among the groups gnomAD compares: South Asian, 0.0022%; no homozygotes.

Submissions (2):

Labcorp Genetics (formerly Invitae), Labcorp
Classification: Uncertain significance. Last evaluated: 2023-04-28. Review status: criteria provided, single submitter. Criteria: Invitae Variant Classification Sherloc (09022015). Collection method: clinical testing. Allele origin: germline.
Comment: In summary, the available evidence is currently insufficient to determine the role of this variant in disease. Therefore, it has been classified as a Variant of Uncertain Significance. Advanced modeling of protein sequence and biophysical properties (such as structural, functional, and spatial information, amino acid conservation, physicochemical variation, residue mobility, and thermodynamic stability) performed at Invitae indicates that this missense variant is not expected to disrupt MTOR protein function. ClinVar contains an entry for this variant (Variation ID: 1310459). This variant has not been reported in the literature in individuals affected with MTOR-related conditions. This variant is not present in population databases (gnomAD no frequency). This sequence change replaces glycine, which is neutral and non-polar, with arginine, which is basic and polar, at codon 346 of the MTOR protein (p.Gly346Arg).

GeneDx
Classification: Uncertain significance. Last evaluated: 2019-11-26. Review status: criteria provided, single submitter. Criteria: GeneDx Variant Classification Process June 2021. Collection method: clinical testing. Allele origin: germline. Affected: yes.
Comment: Not observed in large population cohorts (Lek et al., 2016); In silico analysis, which includes protein predictors and evolutionary conservation, supports that this variant does not alter protein structure/function; Has not been previously published as pathogenic or benign to our knowledge